The following is an entry in ClinVar:

NM_013432.5(TONSL):c.1510C>G (p.Leu504Val)

Genes: TONSL (tonsoku like, DNA repair protein; minus strand), TONSL-AS1 (TONSL antisense RNA 1; plus strand). Cytogenetic location: 8q24.3.
Variant type: single nucleotide variant.
Coding change: c.1510C>G on transcript NM_013432.5 (MANE Select); coding-DNA position 1510, C replaced by G.
Protein change: p.Leu504Val; replaces leucine 504 with valine.
Molecular consequence: missense variant. On other transcripts: non-coding transcript variant (1).
Genome position (GRCh38, 1-based): chr8:144,438,706, G>C on the plus strand (C>G on the coding strand, the complement: TONSL is on the minus strand). VCF-style: chr8-144438706-G-C. GRCh37 (hg19) VCF-style: chr8-145664089-G-C.
Other names: short protein forms L504V.
Identifiers: ClinVar variation 5037253 (VCV005037253.1).

ClinVar aggregate classification (germline): Uncertain significance (1 of 4 stars; one submission).

gnomAD v4.1: 23 of 1,613,138 alleles (0.0014%); highest among the groups gnomAD compares: Non-Finnish European, 0.0019%; no homozygotes.

Submission:

GeneDx
Classification: Uncertain significance. Last evaluated: 2026-04-15. Review status: criteria provided, single submitter. Criteria: GeneDx Variant Classification Process June 2021. Collection method: clinical testing. Allele origin: germline.
Comment: Not observed at significant frequency in large population cohorts (gnomAD); In silico analysis supports a deleterious effect on splicing; In silico analysis suggests that this missense variant does not alter protein structure/function; Has not been previously published as pathogenic or benign to our knowledge